The following is an entry in ClinVar:

ClinVar aggregate classification (germline): Uncertain significance (1 of 4 stars; one submission).

Conditions:
Arrhythmogenic right ventricular dysplasia 9 (ARVD9). Also called: ARRHYTHMOGENIC RIGHT VENTRICULAR DYSPLASIA, FAMILIAL, 9; Arrhythmogenic Right Ventricular Dysplasia/Cardiomyopathy 9. Identifiers: MedGen C1836906, MONDO:0012180, OMIM 609040.

Submission:

Labcorp Genetics (formerly Invitae), Labcorp
Classification: Uncertain significance for Arrhythmogenic right ventricular dysplasia 9. Last evaluated: 2023-02-11. Review status: criteria provided, single submitter. Criteria: Invitae Variant Classification Sherloc (09022015). Collection method: clinical testing. Allele origin: germline.
Comment: This sequence change replaces glycine, which is neutral and non-polar, with valine, which is neutral and non-polar, at codon 548 of the PKP2 protein (p.Gly548Val). This variant is not present in population databases (gnomAD no frequency). This variant has not been reported in the literature in individuals affected with PKP2-related conditions. ClinVar contains an entry for this variant (Variation ID: 645162). Algorithms developed to predict the effect of missense changes on protein structure and function (SIFT, PolyPhen-2, Align-GVGD) all suggest that this variant is likely to be tolerated. In summary, the available evidence is currently insufficient to determine the role of this variant in disease. Therefore, it has been classified as a Variant of Uncertain Significance.

NM_001005242.3(PKP2):c.1511G>T (p.Gly504Val)

Gene: PKP2 (plakophilin 2; minus strand). Cytogenetic location: 12p11.21.
Variant type: single nucleotide variant.
Coding change: c.1511G>T on transcript NM_001005242.3 (MANE Select); coding-DNA position 1511, G replaced by T.
Protein change: p.Gly504Val; replaces glycine 504 with valine.
Molecular consequence: missense variant.
Genome position (GRCh38, 1-based): chr12:32,841,073, C>A on the plus strand (G>T on the coding strand, the complement: PKP2 is on the minus strand). VCF-style: chr12-32841073-C-A. GRCh37 (hg19) VCF-style: chr12-32994007-C-A.
Other names: c.1643G>T, p.Gly548Val (NM_004572.4); short protein forms G548V, G504V.
Identifiers: ClinVar variation 645162 (VCV000645162.10), dbSNP rs1592746320, ClinGen allele CA384367447.